The following is an entry in ClinVar:

ClinVar aggregate classification (germline): Likely benign. Review status: criteria provided, multiple submitters, no conflicts (2 of 4 stars). 3 submissions from 3 submitters: Likely benign (3). Last evaluated 2025-12-09.

Conditions:
Cardiovascular phenotype. Identifiers: MedGen CN230736.
Andersen Tawil syndrome (LQT7). Also called: Potassium-sensitive periodic paralysis, ventricular ectopy, and dysmorphic features; Andersen Syndrome; ANDERSEN CARDIODYSRHYTHMIC PERIODIC PARALYSIS; LONG QT SYNDROME 7; PERIODIC PARALYSIS, POTASSIUM-SENSITIVE CARDIODYSRHYTHMIC TYPE. Identifiers: Orphanet 37553, MedGen C1563715, MONDO:0008222, OMIM 170390.
Short QT syndrome type 3. Identifiers: Orphanet 51083, MedGen C1865018, MONDO:0012314, OMIM 609622.

Allele frequency attached by ClinVar (database versions not stated): TOPMed 0.00001; gnomAD 0.00002; gnomAD exomes 0.00002; ESP Exome Variant Server 0.00008.

Submissions (3):

Labcorp Genetics (formerly Invitae), Labcorp
Classification: Likely benign for Short QT syndrome type 3; Andersen Tawil syndrome. Last evaluated: 2025-12-09. Review status: criteria provided, single submitter. Criteria: Invitae Variant Classification Sherloc (09022015). Collection method: clinical testing. Allele origin: germline.

Ambry Genetics
Classification: Likely benign for Cardiovascular phenotype. Last evaluated: 2019-05-02. Review status: criteria provided, single submitter. Criteria: Ambry Variant Classification Scheme 2023. Collection method: clinical testing. Allele origin: germline.

GeneDx
Classification: Likely benign. Last evaluated: 2016-09-12. Review status: criteria provided, single submitter. Criteria: GeneDx Variant Classification (06012015). Collection method: clinical testing. Allele origin: germline. Affected: yes.
Comment: This variant is considered likely benign or benign based on one or more of the following criteria: it is a conservative change, it occurs at a poorly conserved position in the protein, it is predicted to be benign by multiple in silico algorithms, and/or has population frequency not consistent with disease.

NM_000891.3(KCNJ2):c.858C>T (p.Asp286=)

Gene: KCNJ2 (potassium inwardly rectifying channel subfamily J member 2; plus strand). Cytogenetic location: 17q24.3.
Variant type: single nucleotide variant.
Coding change: c.858C>T on transcript NM_000891.3 (MANE Select); coding-DNA position 858, C replaced by T.
Protein change: p.Asp286=; no amino-acid change (aspartic acid 286 retained).
Molecular consequence: synonymous variant.
Genome position (GRCh38, 1-based): chr17:70,175,897, C>T. VCF-style: chr17-70175897-C-T. GRCh37 (hg19) VCF-style: chr17-68172038-C-T.
Identifiers: ClinVar variation 389292 (VCV000389292.11), dbSNP rs142750807, ClinGen allele CA8738772.